The following is an entry in ClinVar:

ClinVar aggregate classification (germline): Uncertain significance (1 of 4 stars; one submission).

Conditions:
Combined immunodeficiency due to LRBA deficiency. Also called: Common variable immunodeficiency 8, with autoimmunity. Identifiers: Orphanet 445018, MedGen C3553512, MONDO:0013863, OMIM 614700.

Allele frequency attached by ClinVar (database versions not stated): TOPMed below 0.00001; gnomAD 0.00001; gnomAD exomes 0.00001; ExAC 0.00002; ESP Exome Variant Server 0.00008.
gnomAD v4.1: 15 of 1,613,562 alleles (0.00093%); highest among the groups gnomAD compares: Middle Eastern, 0.016%; no homozygotes.

Submission:

Labcorp Genetics (formerly Invitae), Labcorp
Classification: Uncertain significance for Combined immunodeficiency due to LRBA deficiency. Last evaluated: 2022-08-09. Review status: criteria provided, single submitter. Criteria: Invitae Variant Classification Sherloc (09022015). Collection method: clinical testing. Allele origin: germline.
Comment: This sequence change replaces aspartic acid, which is acidic and polar, with asparagine, which is neutral and polar, at codon 882 of the LRBA protein (p.Asp882Asn). This variant is present in population databases (rs145086254, gnomAD 0.002%). This variant has not been reported in the literature in individuals affected with LRBA-related conditions. ClinVar contains an entry for this variant (Variation ID: 1391893). Algorithms developed to predict the effect of missense changes on protein structure and function are either unavailable or do not agree on the potential impact of this missense change (SIFT: "Tolerated"; PolyPhen-2: "Possibly Damaging"; Align-GVGD: "Class C0"). In summary, the available evidence is currently insufficient to determine the role of this variant in disease. Therefore, it has been classified as a Variant of Uncertain Significance.

NM_001364905.1(LRBA):c.2644G>A (p.Asp882Asn)

Gene: LRBA (LPS responsive beige-like anchor protein; minus strand). Cytogenetic location: 4q31.3.
Variant type: single nucleotide variant.
Coding change: c.2644G>A on transcript NM_001364905.1 (MANE Select); coding-DNA position 2644, G replaced by A.
Protein change: p.Asp882Asn; replaces aspartic acid 882 with asparagine.
Molecular consequence: missense variant.
Genome position (GRCh38, 1-based): chr4:150,867,793, C>T on the plus strand (G>A on the coding strand, the complement: LRBA is on the minus strand). VCF-style: chr4-150867793-C-T. GRCh37 (hg19) VCF-style: chr4-151788945-C-T.
Other names: c.2644G>A, p.Asp882Asn (NM_001199282.3, NM_001367550.1, NM_006726.5); short protein forms D882N.
Identifiers: ClinVar variation 1391893 (VCV001391893.7), dbSNP rs145086254, ClinGen allele CA3103179.